The following is an entry in ClinVar:

ClinVar aggregate classification (germline): Uncertain significance. Review status: criteria provided, multiple submitters, no conflicts (2 of 4 stars). 2 submissions from 2 submitters: Uncertain significance (2). Last evaluated 2025-04-10.

Conditions:
Inborn genetic diseases. Identifiers: MedGen C0950123, MeSH D030342.

Allele frequency attached by ClinVar (database versions not stated): ExAC 0.00003; gnomAD exomes 0.00003; TOPMed 0.00003.
gnomAD v4.1: 17 of 1,594,034 alleles (0.0011%); highest among the groups gnomAD compares: Admixed American, 0.029%; no homozygotes.

Submissions (2):

Ambry Genetics
Classification: Uncertain significance for Inborn genetic diseases. Last evaluated: 2025-04-10. Review status: criteria provided, single submitter. Criteria: Ambry Variant Classification Scheme 2023. Collection method: clinical testing. Allele origin: germline.

Labcorp Genetics (formerly Invitae), Labcorp
Classification: Uncertain significance. Last evaluated: 2024-04-05. Review status: criteria provided, single submitter. Criteria: Invitae Variant Classification Sherloc (09022015). Collection method: clinical testing. Allele origin: germline.
Comment: This sequence change replaces threonine, which is neutral and polar, with asparagine, which is neutral and polar, at codon 1954 of the CCDC88C protein (p.Thr1954Asn). This variant is present in population databases (rs750921061, gnomAD 0.04%). This variant has not been reported in the literature in individuals affected with CCDC88C-related conditions. ClinVar contains an entry for this variant (Variation ID: 1983419). An algorithm developed to predict the effect of missense changes on protein structure and function (PolyPhen-2) suggests that this variant is likely to be tolerated. In summary, the available evidence is currently insufficient to determine the role of this variant in disease. Therefore, it has been classified as a Variant of Uncertain Significance.

NM_001080414.4(CCDC88C):c.5861C>A (p.Thr1954Asn)

Gene: CCDC88C (coiled-coil and HOOK domain protein 88C; minus strand). Cytogenetic location: 14q32.11.
Variant type: single nucleotide variant.
Coding change: c.5861C>A on transcript NM_001080414.4 (MANE Select); coding-DNA position 5861, C replaced by A.
Protein change: p.Thr1954Asn; replaces threonine 1954 with asparagine.
Molecular consequence: missense variant.
Genome position (GRCh38, 1-based): chr14:91,272,851, G>T on the plus strand (C>A on the coding strand, the complement: CCDC88C is on the minus strand). VCF-style: chr14-91272851-G-T. GRCh37 (hg19) VCF-style: chr14-91739195-G-T.
Other names: c.5861C>A (NM_001080414.3); short protein forms T1954N.
Identifiers: ClinVar variation 1983419 (VCV001983419.4), dbSNP rs750921061, ClinGen allele CA7308571.